The following is an entry in ClinVar:

ClinVar aggregate classification (germline): Likely benign. Review status: criteria provided, multiple submitters, no conflicts (2 of 4 stars). 3 submissions from 3 submitters: Likely benign (2). 1 of the submissions does not count toward it. Last evaluated 2026-01-18.

Conditions:
ZNF513-related disorder. Also called: ZNF513-related condition.

Submissions (3):

Labcorp Genetics (formerly Invitae), Labcorp
Classification: Likely benign. Last evaluated: 2026-01-18. Review status: criteria provided, single submitter. Criteria: Invitae Variant Classification Sherloc (09022015). Collection method: clinical testing. Allele origin: germline.

Blueprint Genetics
Classification: Likely benign. Last evaluated: 2024-11-01. Review status: criteria provided, single submitter. Criteria: ACMG Guidelines, 2015. Collection method: clinical testing. Allele origin: germline.

PreventionGenetics, part of Exact Sciences
Classification: Likely benign for ZNF513-related condition. Last evaluated: 2019-09-11. Review status: no assertion criteria provided. Collection method: clinical testing. Allele origin: germline. Not counted in ClinVar's aggregate classification.
Comment: This variant is classified as likely benign based on ACMG/AMP sequence variant interpretation guidelines (Richards et al. 2015 PMID: 25741868, with internal and published modifications).

NM_144631.6(ZNF513):c.55+9_55+15del

Gene: ZNF513 (zinc finger protein 513; minus strand). Cytogenetic location: 2p23.3.
Variant type: Microsatellite.
Coding change: c.55+9_55+15del on transcript NM_144631.6 (MANE Select); bases 9 to 15 of the intron after coding-DNA position 55, 7 bases deleted (TCAGGGG; older notation c.55+9_55+15delTCAGGGG).
Molecular consequence: splice donor variant.
Genome position (GRCh38, 1-based): chr2:27,380,457-27,380,463, CCCCTGA deleted on the plus strand (TCAGGGG on the coding strand, the reverse complement: ZNF513 is on the minus strand); deleting any 7 consecutive bases within chr2:27,380,457-27,380,472 gives the same sequence; the c. name uses the placement nearest the transcript's 3' end. VCF-style (leftmost placement, unchanged base first): chr2-27380456-GCCCCTGA-G. GRCh37 (hg19) VCF-style: chr2-27603323-GCCCCTGA-G.
Other names: c.55+9_55+15del (NM_144631.5); c.55+9_55+15del7 (NM_144631.5).
Identifiers: ClinVar variation 735351 (VCV000735351.13), dbSNP rs368927081, ClinGen allele CA1578188.